The following is an entry in ClinVar:

ClinVar aggregate classification (germline): Likely benign. Review status: criteria provided, multiple submitters, no conflicts (2 of 4 stars). 4 submissions from 4 submitters: Likely benign (3). 1 of the submissions does not count toward it. Last evaluated 2023-11-01.

Conditions:
MYH9-related disorder. Identifiers: MedGen C1854520.
Macrothrombocytopenia and granulocyte inclusions with or without nephritis or sensorineural hearing loss (MATINS). Also called: DOHLE LEUKOCYTE INCLUSIONS WITH GIANT PLATELETS; MACROTHROMBOCYTOPENIA WITH LEUKOCYTE INCLUSIONS; Fechtner syndrome; Epstein syndrome; Giant platelet syndrome with thrombocytopenia; SEBASTIAN PLATELET SYNDROME. Identifiers: Orphanet 182050, MedGen C5200934, MONDO:0015912, OMIM 155100.
Autosomal dominant nonsyndromic hearing loss 17. Also called: Deafness, autosomal dominant 17; Autosomal dominant nonsyndromic deafness 17. Identifiers: Orphanet 90635, MedGen C1863659, MONDO:0011350, OMIM 603622.

Submissions (4):

CeGaT Center for Human Genetics Tuebingen
Classification: Likely benign. Last evaluated: 2023-11-01. Review status: criteria provided, single submitter. Criteria: CeGaT Center For Human Genetics Tuebingen Variant Classification Criteria Version 2. Collection method: clinical testing. Allele origin: germline. Affected: yes. Observed: 2 variant alleles.
Comment: MYH9: BP4, BP7

Labcorp Genetics (formerly Invitae), Labcorp
Classification: Likely benign. Last evaluated: 2023-08-04. Review status: criteria provided, single submitter. Criteria: Invitae Variant Classification Sherloc (09022015). Collection method: clinical testing. Allele origin: germline.

Fulgent Genetics
Classification: Likely benign for Macrothrombocytopenia and granulocyte inclusions with or without nephritis or sensorineural hearing loss; Autosomal dominant nonsyndromic hearing loss 17. Last evaluated: 2022-02-24. Review status: criteria provided, single submitter. Criteria: ACMG Guidelines, 2015. Collection method: clinical testing. Allele origin: unknown.

PreventionGenetics, part of Exact Sciences
Classification: Likely benign for MYH9-related condition. Last evaluated: 2019-06-25. Review status: no assertion criteria provided. Collection method: clinical testing. Allele origin: germline. Not counted in ClinVar's aggregate classification.
Comment: This variant is classified as likely benign based on ACMG/AMP sequence variant interpretation guidelines (Richards et al. 2015 PMID: 25741868, with internal and published modifications).

NM_002473.6(MYH9):c.5764A>C (p.Arg1922=)

Gene: MYH9 (myosin heavy chain 9; minus strand). Cytogenetic location: 22q12.3.
Variant type: single nucleotide variant.
Coding change: c.5764A>C on transcript NM_002473.6 (MANE Select); coding-DNA position 5764, A replaced by C.
Protein change: p.Arg1922=; no amino-acid change (arginine 1922 retained).
Molecular consequence: synonymous variant.
Genome position (GRCh38, 1-based): chr22:36,284,094, T>G on the plus strand (A>C on the coding strand, the complement: MYH9 is on the minus strand). VCF-style: chr22-36284094-T-G. GRCh37 (hg19) VCF-style: chr22-36680140-T-G.
Identifiers: ClinVar variation 737359 (VCV000737359.34), dbSNP rs1603482692, ClinGen allele CA514472975.